The following is an entry in ClinVar:

NM_020975.6(RET):c.1352C>T (p.Thr451Met)

Gene: RET (ret proto-oncogene; plus strand). Cytogenetic location: 10q11.21.
Variant type: single nucleotide variant.
Coding change: c.1352C>T on transcript NM_020975.6 (MANE Select); coding-DNA position 1352, C replaced by T.
Protein change: p.Thr451Met; replaces threonine 451 with methionine.
Molecular consequence: missense variant.
Genome position (GRCh38, 1-based): chr10:43,111,295, C>T. VCF-style: chr10-43111295-C-T. GRCh37 (hg19) VCF-style: chr10-43606743-C-T.
Other names: c.827C>T, p.Thr276Met (NM_001406774.1); c.626C>T, p.Thr209Met (NM_001406775.1, NM_001406776.1, NM_001406777.1 and 1 more transcripts); c.362C>T, p.Thr121Met (NM_001406784.1); c.1352C>T, p.Thr451Met (NM_020629.2, NM_020630.7, NM_000323.2 and 6 more transcripts); c.590C>T, p.Thr197Met (NM_001355216.2); c.1223C>T, p.Thr408Met (NM_001406761.1, NM_001406762.1, NM_001406764.1 and 1 more transcripts); c.1064C>T, p.Thr355Met (NM_001406766.1, NM_001406767.1, NM_001406770.1); c.956C>T, p.Thr319Met (NM_001406769.1, NM_001406772.1); and 1 more; short protein forms T451M, T197M, T121M, T319M, T209M, T276M, T305M, T408M.
Identifiers: ClinVar variation 187665 (VCV000187665.21), dbSNP rs774092678, ClinGen allele CA007541.

ClinVar aggregate classification (germline): Conflicting classifications of pathogenicity. Review status: criteria provided, conflicting classifications (1 of 4 stars). 7 submissions from 7 submitters: Uncertain significance (6); Benign (1). Last evaluated 2026-02-01.

Conditions:
Familial hyperparathyroidism or Hypocalciuric hypercalcaemia.
Hereditary cancer-predisposing syndrome. Also called: Neoplastic Syndromes, Hereditary; Tumor predisposition; Hereditary Cancer Syndrome; Hereditary neoplastic syndrome. Identifiers: Orphanet 140162, MedGen C0027672, MeSH D009386, MONDO:0015356.
Multiple endocrine neoplasia, type 2 (MEN2). Identifiers: Orphanet 653, MedGen C4048306, MONDO:0019003. Disease mechanism: gain of function.
Hirschsprung disease, susceptibility to, 1 (HSCR1). Also called: RET-Related Hirschsprung Disease. Identifiers: Orphanet 388, MedGen C3888239, MONDO:0007723, OMIM 142623.

Allele frequency attached by ClinVar (database versions not stated): ExAC 0.00002; gnomAD exomes 0.00002 and 0.00001; TOPMed 0.00001.
gnomAD v4.1: 27 of 1,614,148 alleles (0.0017%); highest among the groups gnomAD compares: South Asian, 0.0055%; no homozygotes.

Submissions (7):

Labcorp Genetics (formerly Invitae), Labcorp
Classification: Uncertain significance for Multiple endocrine neoplasia, type 2. Last evaluated: 2026-02-01. Review status: criteria provided, single submitter. Criteria: Invitae Variant Classification Sherloc (09022015). Collection method: clinical testing. Allele origin: germline.
Comment: This sequence change replaces threonine, which is neutral and polar, with methionine, which is neutral and non-polar, at codon 451 of the RET protein (p.Thr451Met). This variant is present in population databases (rs774092678, gnomAD 0.006%). This variant has not been reported in the literature in individuals affected with RET-related conditions. ClinVar contains an entry for this variant (Variation ID: 187665). An algorithm developed to predict the effect of missense changes on protein structure and function outputs the following: PolyPhen-2: "Benign". The methionine amino acid residue is found in multiple mammalian species, which suggests that this missense change does not adversely affect protein function. In summary, the available evidence is currently insufficient to determine the role of this variant in disease. Therefore, it has been classified as a Variant of Uncertain Significance.

Cambridge Genomics Laboratory, East Genomic Laboratory Hub, NHS Genomic Medicine Service
Classification: Uncertain significance for Familial hyperparathyroidism or Hypocalciuric hypercalcaemia. Last evaluated: 2025-06-12. Review status: criteria provided, single submitter. Criteria: ACGS Best Practice Guidelines for Variant Classification in Rare Disease 2020. Collection method: clinical testing. Allele origin: germline. Affected: yes.
Comment: BP4

Ambry Genetics
Classification: Benign for Hereditary cancer-predisposing syndrome. Last evaluated: 2024-12-31. Review status: criteria provided, single submitter. Criteria: Ambry Variant Classification Scheme 2023. Collection method: clinical testing. Allele origin: germline.

All of Us Research Program, National Institutes of Health
Classification: Uncertain significance for Multiple endocrine neoplasia, type 2. Last evaluated: 2024-08-13. Review status: criteria provided, single submitter. Criteria: ACMG Guidelines, 2015. Collection method: clinical testing. Allele origin: germline. Inheritance: Autosomal dominant inheritance. Observed: 4 variant alleles, 4 heterozygotes.
Comment: This missense variant replaces threonine with methionine at codon 451 of the RET protein. Computational prediction suggests that this variant may not impact protein structure and function (internally defined REVEL score threshold <= 0.5, PMID: 27666373). To our knowledge, functional studies have not been reported for this variant. This variant has not been reported in individuals affected with RET-related disorders in the literature. This variant has been identified in 3/251460 chromosomes in the general population by the Genome Aggregation Database (gnomAD). The available evidence is insufficient to determine the role of this variant in disease conclusively. Therefore, this variant is classified as a Variant of Uncertain Significance.

This study involves interpretation of variants in research participants for the purpose of population health screening. Participant phenotype was not available at the time of variant classification. Additional details can be found in publication PMID: 35346344, PMCID: PMC8962531

Color Diagnostics, LLC DBA Color Health
Classification: Uncertain significance for Multiple endocrine neoplasia, type 2. Last evaluated: 2024-07-24. Review status: criteria provided, single submitter. Criteria: ACMG Guidelines, 2015. Collection method: clinical testing. Allele origin: germline.
Comment: This missense variant replaces threonine with methionine at codon 451 of the RET protein. Computational prediction suggests that this variant may not impact protein structure and function. To our knowledge, functional studies have not been reported for this variant. This variant has not been reported in individuals affected with RET-related disorders in the literature. This variant has been identified in 3/251460 chromosomes in the general population by the Genome Aggregation Database (gnomAD). The available evidence is insufficient to determine the role of this variant in disease conclusively. Therefore, this variant is classified as a Variant of Uncertain Significance.

Baylor Genetics
Classification: Uncertain significance for Hirschsprung disease, susceptibility to, 1. Last evaluated: 2024-03-24. Review status: criteria provided, single submitter. Criteria: ACMG Guidelines, 2015. Collection method: clinical testing. Allele origin: unknown.

Women's Health and Genetics/Laboratory Corporation of America, LabCorp
Classification: Uncertain significance. Last evaluated: 2023-03-03. Review status: criteria provided, single submitter. Criteria: LabCorp Variant Classification Summary - May 2015. Collection method: clinical testing. Allele origin: germline.
Comment: Variant summary: RET c.1352C>T (p.Thr451Met) results in a non-conservative amino acid change in the encoded protein sequence. Three of five in-silico tools predict a benign effect of the variant on protein function. The variant allele was found at a frequency of 1.2e-05 in 251460 control chromosomes. The available data on variant occurrences in the general population are insufficient to allow any conclusion about variant significance. To our knowledge, no occurrence of c.1352C>T in individuals affected with Multiple Endocrine Neoplasia Type 2 and no experimental evidence demonstrating its impact on protein function have been reported. Two submitters have provided clinical-significance assessments for this variant to ClinVar after 2014, and both classified the variant as uncertain significance. Based on the evidence outlined above, the variant was classified as uncertain significance.